The following is an entry in ClinVar:

ClinVar aggregate classification (germline): Likely benign. Review status: criteria provided, multiple submitters, no conflicts (2 of 4 stars). 3 submissions from 3 submitters: Likely benign (3). Last evaluated 2025-02-04.

Conditions:
Progressive myoclonic epilepsy type 7. Identifiers: Orphanet 435438, MedGen C4015420, MONDO:0014521, OMIM 616187.

Allele frequency attached by ClinVar (database versions not stated): gnomAD exomes 0.00004 and 0.00005; gnomAD 0.00009; ExAC 0.00011; TOPMed 0.00011; ESP Exome Variant Server 0.00022.
gnomAD v4.1: 63 of 1,550,902 alleles (0.0041%); highest among the groups gnomAD compares: African/African-American, 0.011%; no homozygotes.

Submissions (3):

Labcorp Genetics (formerly Invitae), Labcorp
Classification: Likely benign for Progressive myoclonic epilepsy type 7. Last evaluated: 2025-02-04. Review status: criteria provided, single submitter. Criteria: Invitae Variant Classification Sherloc (09022015). Collection method: clinical testing. Allele origin: germline.

Blueprint Genetics
Classification: Likely benign. Last evaluated: 2024-04-09. Review status: criteria provided, single submitter. Criteria: ACMG Guidelines, 2015. Collection method: clinical testing. Allele origin: germline.

CeGaT Center for Human Genetics Tuebingen
Classification: Likely benign. Last evaluated: 2023-03-01. Review status: criteria provided, single submitter. Criteria: CeGaT Center For Human Genetics Tuebingen Variant Classification Criteria Version 2. Collection method: clinical testing. Allele origin: germline. Affected: yes. Observed: 1 variant allele.
Comment: KCNC1: BP4, BP7

NM_001112741.2(KCNC1):c.1653C>T (p.Thr551=)

Gene: KCNC1 (potassium voltage-gated channel subfamily C member 1; plus strand). Cytogenetic location: 11p15.1.
Variant type: single nucleotide variant.
Coding change: c.1653C>T on transcript NM_001112741.2 (MANE Select); coding-DNA position 1653, C replaced by T.
Protein change: p.Thr551=; no amino-acid change (threonine 551 retained).
Molecular consequence: synonymous variant.
Genome position (GRCh38, 1-based): chr11:17,779,604, C>T. VCF-style: chr11-17779604-C-T. GRCh37 (hg19) VCF-style: chr11-17801151-C-T.
Identifiers: ClinVar variation 542114 (VCV000542114.40), dbSNP rs368328020, ClinGen allele CA5906853.